The following is an entry in ClinVar:

NM_006929.5(SKIC2):c.2720T>G (p.Phe907Cys)

Gene: SKIC2 (SKI2 subunit of superkiller complex; plus strand). Cytogenetic location: 6p21.33.
Variant type: single nucleotide variant.
Coding change: c.2720T>G on transcript NM_006929.5 (MANE Select); coding-DNA position 2720, T replaced by G.
Protein change: p.Phe907Cys; replaces phenylalanine 907 with cysteine.
Molecular consequence: missense variant.
Genome position (GRCh38, 1-based): chr6:31,967,851, T>G. VCF-style: chr6-31967851-T-G. GRCh37 (hg19) VCF-style: chr6-31935628-T-G.
Other names: short protein forms F907C.
Identifiers: ClinVar variation 4732359 (VCV004732359.1).
Genomic context (GRCh38, chr6:31,967,851, plus strand): 5'-ACAGGGGGCCAGCCACTGCAGAGGTGCCCTATCCAGATGACCTCGTGGGATTCAAGCTGT[T>G]CCTGCCTGAAGGTGAGAGTGTGGCAGATGTCTGTTTTCTGCCAGCAGTATAAGCAGGATG-3'
Protein context (NP_008860.4, residues 897-917): YPDDLVGFKL[Phe907Cys]LPEGPCDHTV

ClinVar aggregate classification (germline): Uncertain significance (1 of 4 stars; one submission).

Submission:

Labcorp Genetics (formerly Invitae), Labcorp
Classification: Uncertain significance. Last evaluated: 2025-12-09. Review status: criteria provided, single submitter. Criteria: Invitae Variant Classification Sherloc (09022015). Collection method: clinical testing. Allele origin: germline.
Comment: This sequence change replaces phenylalanine, which is neutral and non-polar, with cysteine, which is neutral and slightly polar, at codon 907 of the SKIV2L protein (p.Phe907Cys). This variant is not present in population databases (gnomAD no frequency). This variant has not been reported in the literature in individuals affected with SKIV2L-related conditions. An algorithm developed to predict the effect of missense changes on protein structure and function (PolyPhen-2) suggests that this variant is likely to be disruptive. In summary, the available evidence is currently insufficient to determine the role of this variant in disease. Therefore, it has been classified as a Variant of Uncertain Significance.